The following is an entry in ClinVar:

ClinVar aggregate classification (germline): Likely benign. Review status: criteria provided, single submitter (1 of 4 stars). 2 submissions from 2 submitters: Likely benign (1). 1 of the submissions does not count toward it. Last evaluated 2025-06-12.

Conditions:
WDR37-related disorder. Also called: WDR37-related condition.

Allele frequency attached by ClinVar (database versions not stated): gnomAD 0.00037; 1000 Genomes Project 30x 0.00047; TOPMed 0.00029; ESP Exome Variant Server 0.00031; 1000 Genomes Project 0.00040.
gnomAD v4.1: 662 of 1,614,170 alleles (0.041%); highest among the groups gnomAD compares: Middle Eastern, 0.96%; 6 homozygotes.

Submissions (2):

Mayo Clinic Laboratories, Mayo Clinic
Classification: Likely benign. Last evaluated: 2025-06-12. Review status: criteria provided, single submitter. Criteria: ACMG Guidelines, 2015. Collection method: clinical testing. Allele origin: germline. Observed: 1 variant allele.
Comment: BS1, BP4, BP7

PreventionGenetics, part of Exact Sciences
Classification: Likely benign for WDR37-related condition. Last evaluated: 2021-06-22. Review status: no assertion criteria provided. Collection method: clinical testing. Allele origin: germline. Not counted in ClinVar's aggregate classification.
Comment: This variant is classified as likely benign based on ACMG/AMP sequence variant interpretation guidelines (Richards et al. 2015 PMID: 25741868, with internal and published modifications).

NM_014023.4(WDR37):c.1383A>G (p.Ala461=)

Gene: WDR37 (WD repeat domain 37; plus strand). Cytogenetic location: 10p15.3.
Variant type: single nucleotide variant.
Coding change: c.1383A>G on transcript NM_014023.4 (MANE Select); coding-DNA position 1383, A replaced by G.
Protein change: p.Ala461=; no amino-acid change (alanine 461 retained).
Molecular consequence: synonymous variant.
Genome position (GRCh38, 1-based): chr10:1,129,242, A>G. VCF-style: chr10-1129242-A-G. GRCh37 (hg19) VCF-style: chr10-1175182-A-G.
Other names: p.Ala461=.
Identifiers: ClinVar variation 3049719 (VCV003049719.3), dbSNP rs145677528, ClinGen allele CA5384329.